The following is an entry in ClinVar:

ClinVar aggregate classification (germline): Uncertain significance. Review status: criteria provided, multiple submitters, no conflicts (2 of 4 stars). 3 submissions from 3 submitters: Uncertain significance (3). Last evaluated 2025-09-10.

Conditions:
Hereditary cancer-predisposing syndrome. Also called: Hereditary neoplastic syndrome; Tumor predisposition; Hereditary Cancer Syndrome; Neoplastic Syndromes, Hereditary. Identifiers: Orphanet 140162, MedGen C0027672, MeSH D009386, MONDO:0015356.
POLD1-related polyposis and colorectal cancer syndrome (CRCS10). Also called: Colorectal cancer, susceptibility to, 10; Colorectal cancer 10; COLORECTAL CANCER, SUSCEPTIBILITY TO, ON CHROMOSOME 19q. Identifiers: Orphanet 220460, MedGen C2675481, MONDO:0012953, OMIM 612591.

gnomAD v4.1: 2 of 1,595,146 alleles (0.00013%); highest among the groups gnomAD compares: Non-Finnish European, 0.00017%; no homozygotes.

Submissions (3):

Labcorp Genetics (formerly Invitae), Labcorp
Classification: Uncertain significance for POLD1-related polyposis and colorectal cancer syndrome. Last evaluated: 2025-09-10. Review status: criteria provided, single submitter. Criteria: Invitae Variant Classification Sherloc (09022015). Collection method: clinical testing. Allele origin: germline.
Comment: This sequence change replaces isoleucine, which is neutral and non-polar, with threonine, which is neutral and polar, at codon 317 of the POLD1 protein (p.Ile317Thr). This variant is not present in population databases (gnomAD no frequency). This missense change has been observed in individual(s) with endometrial cancer (PMID: 26748215). ClinVar contains an entry for this variant (Variation ID: 662483). Invitae Evidence Modeling of protein sequence and biophysical properties (such as structural, functional, and spatial information, amino acid conservation, physicochemical variation, residue mobility, and thermodynamic stability) indicates that this missense variant is expected to disrupt POLD1 protein function with a positive predictive value of 80%. In summary, the available evidence is currently insufficient to determine the role of this variant in disease. Therefore, it has been classified as a Variant of Uncertain Significance.

Ambry Genetics
Classification: Uncertain significance for Hereditary cancer-predisposing syndrome. Last evaluated: 2025-03-31. Review status: criteria provided, single submitter. Criteria: Ambry Variant Classification Scheme 2023. Collection method: clinical testing. Allele origin: germline.
Comment: The p.I317T variant (also known as c.950T>C), located in coding exon 7 of the POLD1 gene, results from a T to C substitution at nucleotide position 950. The isoleucine at codon 317 is replaced by threonine, an amino acid with similar properties. This amino acid position is well conserved in available vertebrate species. In addition, this alteration is predicted to be deleterious by in silico analysis. Based on the available evidence, the clinical significance of this variant remains unclear.

Molecular Pathology, Peter Maccallum Cancer Centre
Classification: Uncertain significance for POLD1-related polyposis and colorectal cancer syndrome. Last evaluated: 2024-08-06. Review status: criteria provided, single submitter. Criteria: ACMG Guidelines, 2015. Collection method: clinical testing. Allele origin: germline. Inheritance: Autosomal dominant inheritance.

Literature cited by the submitters: PubMed 26748215 (cited by Labcorp Genetics (formerly Invitae), Labcorp and Ambry Genetics).

NM_002691.4(POLD1):c.950T>C (p.Ile317Thr)

Gene: POLD1 (DNA polymerase delta 1, catalytic subunit; plus strand). Cytogenetic location: 19q13.33.
Variant type: single nucleotide variant.
Coding change: c.950T>C on transcript NM_002691.4 (MANE Select); coding-DNA position 950, T replaced by C.
Protein change: p.Ile317Thr; replaces isoleucine 317 with threonine.
Molecular consequence: missense variant. On other transcripts: non-coding transcript variant (1).
Genome position (GRCh38, 1-based): chr19:50,402,721, T>C. VCF-style: chr19-50402721-T-C. GRCh37 (hg19) VCF-style: chr19-50905978-T-C.
Other names: c.950T>C, p.Ile317Thr (NM_001256849.1, NM_001308632.1); short protein forms I317T.
Identifiers: ClinVar variation 662483 (VCV000662483.14), dbSNP rs1601202863, ClinGen allele CA406977360.